The following is an entry in ClinVar:

ClinVar aggregate classification (germline): Uncertain significance (1 of 4 stars; one submission).

Allele frequency attached by ClinVar (database versions not stated): gnomAD exomes below 0.00001; TOPMed below 0.00001.
gnomAD v4.1: 5 of 1,556,458 alleles (0.00032%); highest among the groups gnomAD compares: African/African-American, 0.0014%; no homozygotes.

Submission:

Labcorp Genetics (formerly Invitae), Labcorp
Classification: Uncertain significance. Last evaluated: 2023-12-27. Review status: criteria provided, single submitter. Criteria: Invitae Variant Classification Sherloc (09022015). Collection method: clinical testing. Allele origin: germline.
Comment: This sequence change replaces proline, which is neutral and non-polar, with arginine, which is basic and polar, at codon 84 of the ADCY1 protein (p.Pro84Arg). This variant is present in population databases (no rsID available, gnomAD 0.001%). This variant has not been reported in the literature in individuals affected with ADCY1-related conditions. Advanced modeling of protein sequence and biophysical properties (such as structural, functional, and spatial information, amino acid conservation, physicochemical variation, residue mobility, and thermodynamic stability) performed at Invitae indicates that this missense variant is not expected to disrupt ADCY1 protein function with a negative predictive value of 80%. In summary, the available evidence is currently insufficient to determine the role of this variant in disease. Therefore, it has been classified as a Variant of Uncertain Significance.

NM_021116.4(ADCY1):c.251C>G (p.Pro84Arg)

Genes: ADCY1 (adenylate cyclase 1; plus strand), LOC129998402 (ATAC-STARR-seq lymphoblastoid silent region 18165; plus strand). Cytogenetic location: 7p12.3.
Variant type: single nucleotide variant.
Coding change: c.251C>G on transcript NM_021116.4 (MANE Select); coding-DNA position 251, C replaced by G.
Protein change: p.Pro84Arg; replaces proline 84 with arginine.
Molecular consequence: missense variant. On other transcripts: intron variant (1).
Genome position (GRCh38, 1-based): chr7:45,574,794, C>G. VCF-style: chr7-45574794-C-G. GRCh37 (hg19) VCF-style: chr7-45614393-C-G.
Other names: c.-330-95C>G (NM_001281768.2); short protein forms P84R.
Identifiers: ClinVar variation 2956948 (VCV002956948.3), dbSNP rs1379522327, ClinGen allele CA367558334.